The following is an entry in ClinVar:

Conditions:
Breast-ovarian cancer, familial, susceptibility to, 1 (BROVCA1). Also called: BRCA1 Hereditary Breast and Ovarian Cancer; OVARIAN CANCER, SUSCEPTIBILITY TO. Identifiers: Orphanet 145, MedGen C2676676, MONDO:0011450, OMIM 604370. Disease mechanism: loss of function.

Submission:

Brotman Baty Institute, University of Washington
No classification provided (evidence only). Condition: Breast-ovarian cancer, familial 1. Review status: no classification provided. Collection method: in vitro. Allele origin: not applicable. Functional consequence: functionally_normal.
ClinVar note: "not provided" was previously submitted as the classification for the variant. However, the classification appeared to be based only on an observation of functional data so it was converted to no classification on 2025-07-30.

NM_007294.4(BRCA1):c.5483G>T (p.Cys1828Phe)

Gene: BRCA1 (BRCA1 DNA repair associated; minus strand). Cytogenetic location: 17q21.31.
Variant type: single nucleotide variant.
Coding change: c.5483G>T on transcript NM_007294.4 (MANE Select); coding-DNA position 5483, G replaced by T.
Protein change: p.Cys1828Phe; replaces cysteine 1828 with phenylalanine.
Molecular consequence: missense variant. On other transcripts: synonymous variant (17).
Genome position (GRCh38, 1-based): chr17:43,045,787, C>A on the plus strand (G>T on the coding strand, the complement: BRCA1 is on the minus strand). VCF-style: chr17-43045787-C-A. GRCh37 (hg19) VCF-style: chr17-41197804-C-A.
Other names: c.5480G>T, p.Cys1827Phe (NM_001407618.1, NM_001407619.1, NM_001407620.1 and 14 more transcripts); c.5477G>T, p.Cys1826Phe (NM_001407627.1, NM_001407628.1, NM_001407629.1 and 13 more transcripts); c.5270G>T, p.Cys1757Phe (NM_001407571.1, NM_001407894.1, NM_001407895.1 and 12 more transcripts); c.5549G>T, p.Cys1850Phe (NM_001407581.1, NM_001407582.1); c.5546G>T, p.Cys1849Phe (NM_001407583.1, NM_001407585.1, NM_001407587.1 and 1 more transcripts); c.5543G>T, p.Cys1848Phe (NM_001407590.1, NM_001407591.1); c.5483G>T, p.Cys1828Phe (NM_001407593.1, NM_001407594.1, NM_001407596.1 and 5 more transcripts); c.5474G>T, p.Cys1825Phe (NM_001407644.1, NM_001407645.1); and 83 more; short protein forms C724F, C1781F, C1849F, C1828F, C1532F, C1659F, C1674F, C1699F.
Identifiers: ClinVar variation 868579 (VCV000868579.3), dbSNP rs2050885374, ClinGen allele CA10590346.